The following is an entry in ClinVar:

ClinVar aggregate classification (germline): Pathogenic. Review status: criteria provided, multiple submitters, no conflicts (2 of 4 stars). 2 submissions from 2 submitters: Pathogenic (2). Last evaluated 2024-05-14.

Conditions:
Glycogen storage disease, type V (GSD5). Also called: PYGM DEFICIENCY; MCARDLE DISEASE; MUSCLE GLYCOGEN PHOSPHORYLASE DEFICIENCY; MYOPHOSPHORYLASE DEFICIENCY; McArdle type glycogen storage disease. Identifiers: Orphanet 368, MedGen C0017924, MONDO:0009293, OMIM 232600.

Submissions (2):

Myriad Genetics, Inc.
Classification: Pathogenic for Glycogen storage disease, type V. Last evaluated: 2024-05-14. Review status: criteria provided, single submitter. Criteria: Myriad Autosomal Dominant, Autosomal Recessive and X-Linked Classification Criteria (2023). Collection method: clinical testing. Allele origin: unknown.
Comment: NM_005609.2(PYGM):c.1948delC(R650Efs*8) is expected to be pathogenic in the context of glycogen storage disease, PYGM-related. This variant is predicted to lead to an abnormal or absent protein product due to the creation of a premature termination codon in PYGM, a gene where loss-of-function variants are known to be pathogenic. Please note: this variant was assessed in the context of healthy population screening.

Labcorp Genetics (formerly Invitae), Labcorp
Classification: Pathogenic for Glycogen storage disease, type V. Last evaluated: 2022-05-13. Review status: criteria provided, single submitter. Criteria: Invitae Variant Classification Sherloc (09022015). Collection method: clinical testing. Allele origin: germline.
Comment: For these reasons, this variant has been classified as Pathogenic. ClinVar contains an entry for this variant (Variation ID: 965127). This premature translational stop signal has been observed in individual(s) with glycogen storage disease type V (also known as McArdle disease) (PMID: 21802952). This variant is not present in population databases (gnomAD no frequency). This sequence change creates a premature translational stop signal (p.Arg650Glufs*8) in the PYGM gene. It is expected to result in an absent or disrupted protein product. Loss-of-function variants in PYGM are known to be pathogenic (PMID: 8316268, 16786513).

Literature cited by the submitters: PubMed 21802952 (cited by Labcorp Genetics (formerly Invitae), Labcorp); PubMed 8316268 (cited by Labcorp Genetics (formerly Invitae), Labcorp); PubMed 16786513 (cited by Labcorp Genetics (formerly Invitae), Labcorp).

NM_005609.4(PYGM):c.1948del (p.Arg650fs)

Gene: PYGM (glycogen phosphorylase, muscle associated; minus strand). Cytogenetic location: 11q13.1.
Variant type: Deletion.
Coding change: c.1948del on transcript NM_005609.4 (MANE Select); coding-DNA position 1948, one base deleted (C; older notation c.1948delC).
Protein change: p.Arg650fs; shifts the reading frame from arginine 650.
Molecular consequence: frameshift variant.
Genome position (GRCh38, 1-based): chr11:64,751,346, G deleted on the plus strand (C on the coding strand, the reverse complement: PYGM is on the minus strand); the first of 2 consecutive G bases (chr11:64,751,346-64,751,347); deleting either gives the same sequence. VCF-style (leftmost placement, unchanged base first): chr11-64751345-CG-C. GRCh37 (hg19) VCF-style: chr11-64518817-CG-C.
Other names: c.1684del, p.Arg562fs (NM_001164716.1); short protein forms R562fs, R650fs.
Identifiers: ClinVar variation 965127 (VCV000965127.11), dbSNP rs2058354383, ClinGen allele CA1139662014.